The following is an entry in ClinVar:

NM_001374353.1(GLI2):c.1136C>A (p.Thr379Asn)

Gene: GLI2 (GLI family zinc finger 2; plus strand). Cytogenetic location: 2q14.2.
Variant type: single nucleotide variant.
Coding change: c.1136C>A on transcript NM_001374353.1 (MANE Select); coding-DNA position 1136, C replaced by A.
Protein change: p.Thr379Asn; replaces threonine 379 with asparagine.
Molecular consequence: missense variant.
Genome position (GRCh38, 1-based): chr2:120,972,017, C>A. VCF-style: chr2-120972017-C-A. GRCh37 (hg19) VCF-style: chr2-121729593-C-A.
Other names: c.1136C>A, p.Thr379Asn (NM_001371271.1, NM_005270.5); c.761C>A, p.Thr254Asn (NM_001374354.1); short protein forms T379N, T254N.
Identifiers: ClinVar variation 2230784 (VCV002230784.5), dbSNP rs751294369, ClinGen allele CA1851783.
Genomic context (GRCh38, chr2:120,972,017, plus strand): 5'-AGTCGGCCGTCAGCAGCACCGTCAACCCTGTCGCCATTCACAAGCGCAGCAAGGTCAAGA[C>A]CGAGCCTGAGGGCCTGCGGCCGGCCTCCCCTCTGGCGCTGACGCAGGTAACCTGCTGCCA-3'
Protein context (NP_001361282.1, residues 369-389): VAIHKRSKVK[Thr379Asn]EPEGLRPASP

ClinVar aggregate classification (germline): Uncertain significance. Review status: criteria provided, multiple submitters, no conflicts (2 of 4 stars). 2 submissions from 2 submitters: Uncertain significance (2). Last evaluated 2023-06-28.

Conditions:
Inborn genetic diseases. Identifiers: MedGen C0950123, MeSH D030342.
Holoprosencephaly 9 (HPE9). Also called: PITUITARY ANOMALIES WITH HOLOPROSENCEPHALY-LIKE FEATURES; HOLOPROSENCEPHALY WITH MICROPHTHALMIA AND FIRST BRANCHIAL ARCH ANOMALIES. Identifiers: Orphanet 2162, MedGen C1835819, MONDO:0012563, OMIM 610829.
Postaxial polydactyly-anterior pituitary anomalies-facial dysmorphism syndrome. Also called: Culler-Jones syndrome. Identifiers: Orphanet 420584, MedGen C4014479, MONDO:0014369, OMIM 615849.

Allele frequency attached by ClinVar (database versions not stated): ExAC 0.00001; TOPMed 0.00002; gnomAD 0.00003.
gnomAD v4.1: 4 of 1,613,488 alleles (0.00025%); highest among the groups gnomAD compares: African/African-American, 0.0053%; no homozygotes.

Submissions (2):

Labcorp Genetics (formerly Invitae), Labcorp
Classification: Uncertain significance for Postaxial polydactyly-anterior pituitary anomalies-facial dysmorphism syndrome; Holoprosencephaly 9. Last evaluated: 2023-06-28. Review status: criteria provided, single submitter. Criteria: Invitae Variant Classification Sherloc (09022015). Collection method: clinical testing. Allele origin: germline.
Comment: This sequence change replaces threonine, which is neutral and polar, with asparagine, which is neutral and polar, at codon 379 of the GLI2 protein (p.Thr379Asn). This variant is present in population databases (rs751294369, gnomAD 0.007%). This variant has not been reported in the literature in individuals affected with GLI2-related conditions. ClinVar contains an entry for this variant (Variation ID: 2230784). Advanced modeling of protein sequence and biophysical properties (such as structural, functional, and spatial information, amino acid conservation, physicochemical variation, residue mobility, and thermodynamic stability) performed at Invitae indicates that this missense variant is expected to disrupt GLI2 protein function. In summary, the available evidence is currently insufficient to determine the role of this variant in disease. Therefore, it has been classified as a Variant of Uncertain Significance.

Ambry Genetics
Classification: Uncertain significance for Inborn genetic diseases. Last evaluated: 2021-06-03. Review status: criteria provided, single submitter. Criteria: Ambry Variant Classification Scheme 2023. Collection method: clinical testing. Allele origin: germline.